The following is an entry in ClinVar:

NM_000481.4(AMT):c.992G>A (p.Arg331Gln)

Gene: AMT (aminomethyltransferase; minus strand). Cytogenetic location: 3p21.31.
Variant type: single nucleotide variant.
Coding change: c.992G>A on transcript NM_000481.4 (MANE Select); coding-DNA position 992, G replaced by A.
Protein change: p.Arg331Gln; replaces arginine 331 with glutamine.
Molecular consequence: missense variant. On other transcripts: non-coding transcript variant (1).
Genome position (GRCh38, 1-based): chr3:49,417,859, C>T on the plus strand (G>A on the coding strand, the complement: AMT is on the minus strand). VCF-style: chr3-49417859-C-T. GRCh37 (hg19) VCF-style: chr3-49455292-C-T.
Other names: c.860G>A, p.Arg287Gln (NM_001164710.2); c.824G>A, p.Arg275Gln (NM_001164711.2); c.992G>A, p.Arg331Gln (NM_001164712.2); short protein forms R275Q, R287Q, R331Q.
Identifiers: ClinVar variation 978708 (VCV000978708.38), dbSNP rs1368099067, ClinGen allele CA352789409.

ClinVar aggregate classification (germline): Pathogenic/Likely pathogenic. Review status: criteria provided, multiple submitters, no conflicts (2 of 4 stars). 4 submissions from 4 submitters: Pathogenic (1); Likely pathogenic (2). 1 of the submissions does not count toward it. Last evaluated 2025-12-05.

Conditions:
Glycine encephalopathy. Also called: Nonketotic hyperglycinemia; Non-ketotic hyperglycinemia. Identifiers: Orphanet 407, MedGen C0751748, MONDO:0011612, HP:0008288.

Allele frequency attached by ClinVar (database versions not stated): gnomAD exomes below 0.00001.
gnomAD v4.1: 6 of 1,614,086 alleles (0.00037%); highest among the groups gnomAD compares: Admixed American, 0.0017%; no homozygotes.

Submissions (4):

Women's Health and Genetics/Laboratory Corporation of America, LabCorp
Classification: Likely pathogenic for Glycine encephalopathy. Last evaluated: 2025-12-05. Review status: criteria provided, single submitter. Criteria: LabCorp Variant Classification Summary - May 2015. Collection method: clinical testing. Allele origin: germline.
Comment: Variant summary: AMT c.992G>A (p.Arg331Gln) results in a conservative amino acid change located in the Glycine cleavage T-protein, C-terminal barrel domain (IPR013977) of the encoded protein sequence. Algorithms developed to predict the effect of missense changes on protein structure and function are either unavailable or do not agree on the potential impact of this missense change. The variant allele was found at a frequency of 4e-06 in 251200 control chromosomes. c.992G>A has been reported in the literature as a homozygous or compound heterozygous genotype in at-least two individuals affected with Glycine Encephalopathy (Non-Ketotic Hyperglycinemia) (example, Coughlin__2017, Zhou_2024). These data indicate that the variant is likely to be associated with disease. To our knowledge, no experimental evidence demonstrating an impact on protein function has been reported. The following publications have been ascertained in the context of this evaluation (PMID: 27362913, 39206282). ClinVar contains an entry for this variant (Variation ID: 978708). Based on the evidence outlined above, the variant was classified as likely pathogenic.

CeGaT Center for Human Genetics Tuebingen
Classification: Likely pathogenic. Last evaluated: 2024-01-01. Review status: criteria provided, single submitter. Criteria: CeGaT Center For Human Genetics Tuebingen Variant Classification Criteria Version 2. Collection method: clinical testing. Allele origin: germline. Affected: yes. Observed: 1 variant allele.
Comment: AMT: PM3:Strong, PM2, PP4:Moderate

Labcorp Genetics (formerly Invitae), Labcorp
Classification: Pathogenic for Glycine encephalopathy. Last evaluated: 2023-07-19. Review status: criteria provided, single submitter. Criteria: Invitae Variant Classification Sherloc (09022015). Collection method: clinical testing. Allele origin: germline.
Comment: This sequence change replaces arginine, which is basic and polar, with glutamine, which is neutral and polar, at codon 331 of the AMT protein (p.Arg331Gln). This variant is present in population databases (no rsID available, gnomAD 0.003%). For these reasons, this variant has been classified as Pathogenic. This variant disrupts the p.Arg331 amino acid residue in AMT. Other variant(s) that disrupt this residue have been determined to be pathogenic (PMID: 27362913). This suggests that this residue is clinically significant, and that variants that disrupt this residue are likely to be disease-causing. Advanced modeling of protein sequence and biophysical properties (such as structural, functional, and spatial information, amino acid conservation, physicochemical variation, residue mobility, and thermodynamic stability) performed at Invitae indicates that this missense variant is expected to disrupt AMT protein function. ClinVar contains an entry for this variant (Variation ID: 978708). This missense change has been observed in individual(s) with glycine encephalopathy (PMID: 27362913). In at least one individual the data is consistent with being in trans (on the opposite chromosome) from a pathogenic variant.

Center for Molecular Medicine, Children’s Hospital of Fudan University
Classification: Likely pathogenic for Glycine encephalopathy 1. Last evaluated: 2020-07-07. Review status: no assertion criteria provided. Collection method: clinical testing. Allele origin: inherited. Affected: yes. Not counted in ClinVar's aggregate classification.

Literature cited by the submitters: PubMed 27362913 (cited by Women's Health and Genetics/Laboratory Corporation of America, LabCorp and Labcorp Genetics (formerly Invitae), Labcorp); PubMed 39206282 (cited by Women's Health and Genetics/Laboratory Corporation of America, LabCorp).